The following is an entry in ClinVar:

NM_001134363.3(RBM20):c.1825A>G (p.Ile609Val)

Gene: RBM20 (RNA binding motif protein 20; plus strand). Cytogenetic location: 10q25.2.
Variant type: single nucleotide variant.
Coding change: c.1825A>G on transcript NM_001134363.3 (MANE Select); coding-DNA position 1825, A replaced by G.
Protein change: p.Ile609Val; replaces isoleucine 609 with valine.
Molecular consequence: missense variant.
Genome position (GRCh38, 1-based): chr10:110,810,407, A>G. VCF-style: chr10-110810407-A-G. GRCh37 (hg19) VCF-style: chr10-112570165-A-G.
Other names: short protein forms I609V.
Identifiers: ClinVar variation 2791874 (VCV002791874.5), dbSNP rs1314951560, ClinGen allele CA378369049.

ClinVar aggregate classification (germline): Uncertain significance. Review status: criteria provided, multiple submitters, no conflicts (2 of 4 stars). 3 submissions from 3 submitters: Uncertain significance (3). Last evaluated 2026-03-15.

Conditions:
Cardiovascular phenotype. Identifiers: MedGen CN230736.
Dilated cardiomyopathy 1DD (CMD1DD). Identifiers: Orphanet 154, MedGen C2750995, MONDO:0013168, OMIM 613172.

Allele frequency attached by ClinVar (database versions not stated): gnomAD exomes below 0.00001; gnomAD 0.00001; TOPMed 0.00001.
gnomAD v4.1: 8 of 1,551,500 alleles (0.00052%); highest among the groups gnomAD compares: African/African-American, 0.0014%; no homozygotes.

Submissions (3):

GeneDx
Classification: Uncertain significance. Last evaluated: 2026-03-15. Review status: criteria provided, single submitter. Criteria: GeneDx Variant Classification Process June 2021. Collection method: clinical testing. Allele origin: germline.
Comment: Not observed at significant frequency in large population cohorts (gnomAD); In silico analysis suggests that this missense variant does not alter protein structure/function; Has not been previously published as pathogenic or benign to our knowledge

Ambry Genetics
Classification: Uncertain significance for Cardiovascular phenotype. Last evaluated: 2024-02-25. Review status: criteria provided, single submitter. Criteria: Ambry Variant Classification Scheme 2023. Collection method: clinical testing. Allele origin: germline.
Comment: The p.I609V variant (also known as c.1825A>G), located in coding exon 8 of the RBM20 gene, results from an A to G substitution at nucleotide position 1825. The isoleucine at codon 609 is replaced by valine, an amino acid with highly similar properties. This amino acid position is conserved. In addition, the in silico prediction for this alteration is inconclusive. Based on the available evidence, the clinical significance of this alteration remains unclear.

Labcorp Genetics (formerly Invitae), Labcorp
Classification: Uncertain significance for Dilated cardiomyopathy 1DD. Last evaluated: 2023-03-19. Review status: criteria provided, single submitter. Criteria: Invitae Variant Classification Sherloc (09022015). Collection method: clinical testing. Allele origin: germline.
Comment: In summary, the available evidence is currently insufficient to determine the role of this variant in disease. Therefore, it has been classified as a Variant of Uncertain Significance. Advanced modeling of protein sequence and biophysical properties (such as structural, functional, and spatial information, amino acid conservation, physicochemical variation, residue mobility, and thermodynamic stability) performed at Invitae indicates that this missense variant is not expected to disrupt RBM20 protein function. This variant has not been reported in the literature in individuals affected with RBM20-related conditions. This variant is not present in population databases (gnomAD no frequency). This sequence change replaces isoleucine, which is neutral and non-polar, with valine, which is neutral and non-polar, at codon 609 of the RBM20 protein (p.Ile609Val).